The following is an entry in ClinVar:

NM_014714.4(IFT140):c.1469A>G (p.His490Arg)

Genes: IFT140 (intraflagellar transport 140; minus strand), LOC105371046 (uncharacterized LOC105371046; plus strand). Cytogenetic location: 16p13.3.
Variant type: single nucleotide variant.
Coding change: c.1469A>G on transcript NM_014714.4 (MANE Select); coding-DNA position 1469, A replaced by G.
Protein change: p.His490Arg; replaces histidine 490 with arginine.
Molecular consequence: missense variant.
Genome position (GRCh38, 1-based): chr16:1,580,814, T>C on the plus strand (A>G on the coding strand, the complement: IFT140 is on the minus strand). VCF-style: chr16-1580814-T-C. GRCh37 (hg19) VCF-style: chr16-1630815-T-C.
Other names: short protein forms H490R.
Identifiers: ClinVar variation 1358218 (VCV001358218.4), dbSNP rs537123341, ClinGen allele CA276677896.

ClinVar aggregate classification (germline): Uncertain significance (1 of 4 stars; one submission).

Conditions:
Saldino-Mainzer syndrome (SRTD9). Also called: CONORENAL SYNDROME; Renal dysplasia, retinal pigmentary dystrophy, cerebellar ataxia and skeletal dysplasia; SHORT-RIB THORACIC DYSPLASIA 9 WITHOUT POLYDACTYLY; short-rib thoracic dysplasia 9 with or without polydactyly. Identifiers: Orphanet 140969, MedGen C1849437, MONDO:0009964, OMIM 266920.

Allele frequency attached by ClinVar (database versions not stated): TOPMed below 0.00001; gnomAD 0.00001.
gnomAD v4.1: 4 of 1,613,964 alleles (0.00025%); highest among the groups gnomAD compares: Admixed American, 0.005%; no homozygotes.

Submission:

Labcorp Genetics (formerly Invitae), Labcorp
Classification: Uncertain significance for Saldino-Mainzer syndrome. Last evaluated: 2022-11-01. Review status: criteria provided, single submitter. Criteria: Invitae Variant Classification Sherloc (09022015). Collection method: clinical testing. Allele origin: germline.
Comment: Advanced modeling of protein sequence and biophysical properties (such as structural, functional, and spatial information, amino acid conservation, physicochemical variation, residue mobility, and thermodynamic stability) performed at Invitae indicates that this missense variant is not expected to disrupt IFT140 protein function. In summary, the available evidence is currently insufficient to determine the role of this variant in disease. Therefore, it has been classified as a Variant of Uncertain Significance. ClinVar contains an entry for this variant (Variation ID: 1358218). This variant has not been reported in the literature in individuals affected with IFT140-related conditions. This variant is present in population databases (rs537123341, gnomAD 0.006%). This sequence change replaces histidine, which is basic and polar, with arginine, which is basic and polar, at codon 490 of the IFT140 protein (p.His490Arg).